The following is an entry in ClinVar:

NM_032634.4(PIGO):c.*267C>G

Gene: PIGO (phosphatidylinositol glycan anchor biosynthesis class O; minus strand). Cytogenetic location: 9p13.3.
Variant type: single nucleotide variant.
Coding change: c.*267C>G on transcript NM_032634.4 (MANE Select); 267 bases downstream of the stop codon, C replaced by G.
Molecular consequence: 3 prime UTR variant.
Genome position (GRCh38, 1-based): chr9:35,088,825, G>C on the plus strand (C>G on the coding strand, the complement: PIGO is on the minus strand). VCF-style: chr9-35088825-G-C. GRCh37 (hg19) VCF-style: chr9-35088822-G-C.
Other names: c.*267C>G (NM_001201484.2, NM_152850.4).
Identifiers: ClinVar variation 366749 (VCV000366749.7), dbSNP rs79276933, ClinGen allele CA10630015.
Genomic context (GRCh38, chr9:35,088,825, plus strand): 5'-GAACTCCTGGGACCAAGCAATCCTCCCACCTCTGCCTCCCAAAGTGCTGGGATTATAGGT[G>C]CAAGTCACCACGCCCGGCCTATTTTATTCCACTTCGGAGACCGCCCCCCTTGTCCCTCAG-3'

ClinVar aggregate classification (germline): Benign/Likely benign. Review status: criteria provided, multiple submitters, no conflicts (2 of 4 stars). 3 submissions from 3 submitters: Benign (1); Likely benign (2). Last evaluated 2018-06-29.

Conditions:
Hyperphosphatasia with impaired intellectual development syndrome 2. Also called: Hyperphosphatasia with intellectual disability syndrome 2; GLYCOSYLPHOSPHATIDYLINOSITOL BIOSYNTHESIS DEFECT 6. Identifiers: Orphanet 247262, MedGen C3553637, MONDO:0013882, OMIM 614749.

Allele frequency attached by ClinVar (database versions not stated): gnomAD 0.02905 and 0.03143; 1000 Genomes Project 0.02955; 1000 Genomes Project 30x 0.02983; gnomAD exomes 0.00368; TOPMed 0.03247.
gnomAD v4.1: 5,208 of 370,864 alleles (1.4%); highest among the groups gnomAD compares: African/African-American, 10%; 263 homozygotes.

Submissions (3):

GeneDx
Classification: Benign. Last evaluated: 2018-06-29. Review status: criteria provided, single submitter. Criteria: GeneDx Variant Classification Process June 2021. Collection method: clinical testing. Allele origin: germline. Affected: yes.

Illumina Laboratory Services, Illumina
Classification: Likely benign for Hyperphosphatasia with impaired intellectual development syndrome 2. Last evaluated: 2017-04-27. Review status: criteria provided, single submitter. Criteria: ICSL Variant Classification Criteria 13 December 2019. Collection method: clinical testing. Allele origin: germline.
Comment: This variant was observed as part of a predisposition screen in an ostensibly healthy population. A literature search was performed for the gene, cDNA change, and amino acid change (where applicable). No publications were found based on this search. Allele frequency data from public databases allowed determination this variant is unlikely to cause disease. Therefore, this variant is classified as likely benign.

Breakthrough Genomics
Classification: Likely benign. Review status: criteria provided, single submitter. Criteria: ACMG Guidelines, 2015. Collection method: not provided. Allele origin: germline. Inheritance: Autosomal recessive inheritance. Affected: yes.